The following is an entry in ClinVar:

ClinVar aggregate classification (germline): Likely benign (1 of 4 stars; one submission).

Allele frequency attached by ClinVar (database versions not stated): TOPMed 0.03275; gnomAD 0.03431 and 0.03795; 1000 Genomes Project 0.04752; 1000 Genomes Project 30x 0.04778.
gnomAD v4.1: 5,194 of 137,710 alleles (3.8%); highest among the groups gnomAD compares: South Asian, 14%; 136 homozygotes.

Submission:

GeneDx
Classification: Likely benign. Last evaluated: 2018-06-14. Review status: criteria provided, single submitter. Criteria: GeneDx Variant Classification (06012015). Collection method: clinical testing. Allele origin: germline. Affected: yes.
Comment: This variant is considered likely benign or benign based on one or more of the following criteria: it is a conservative change, it occurs at a poorly conserved position in the protein, it is predicted to be benign by multiple in silico algorithms, and/or has population frequency not consistent with disease.

NM_032119.4(ADGRV1):c.11122-234G>A

Gene: ADGRV1 (adhesion G protein-coupled receptor V1; plus strand). Cytogenetic location: 5q14.3.
Variant type: single nucleotide variant.
Coding change: c.11122-234G>A on transcript NM_032119.4 (MANE Select); 234 bases into the intron before coding-DNA position 11122, G replaced by A.
Molecular consequence: intron variant.
Genome position (GRCh38, 1-based): chr5:90,753,340, G>A. VCF-style: chr5-90753340-G-A. GRCh37 (hg19) VCF-style: chr5-90049157-G-A.
Identifiers: ClinVar variation 678873 (VCV000678873.1), dbSNP rs73772486, ClinGen allele CA122797901.